The following is an entry in ClinVar:

NM_001365999.1(SZT2):c.1288G>A (p.Val430Met)

Gene: SZT2 (SZT2 subunit of KICSTOR complex; plus strand). Cytogenetic location: 1p34.2.
Variant type: single nucleotide variant.
Coding change: c.1288G>A on transcript NM_001365999.1 (MANE Select); coding-DNA position 1288, G replaced by A.
Protein change: p.Val430Met; replaces valine 430 with methionine.
Molecular consequence: missense variant.
Genome position (GRCh38, 1-based): chr1:43,420,775, G>A. VCF-style: chr1-43420775-G-A. GRCh37 (hg19) VCF-style: chr1-43886446-G-A.
Other names: c.1288G>A, p.Val430Met (NM_015284.4); c.1288G>A (NM_015284.3); short protein forms V430M.
Identifiers: ClinVar variation 2198256 (VCV002198256.2), dbSNP rs544287615, ClinGen allele CA808387.

ClinVar aggregate classification (germline): Uncertain significance. Review status: criteria provided, multiple submitters, no conflicts (2 of 4 stars). 2 submissions from 2 submitters: Uncertain significance (2). Last evaluated 2025-04-03.

Conditions:
Inborn genetic diseases. Identifiers: MedGen C0950123, MeSH D030342.

Allele frequency attached by ClinVar (database versions not stated): 1000 Genomes Project 30x 0.00016; gnomAD 0.00001; gnomAD exomes 0.00001; ExAC 0.00003; 1000 Genomes Project 0.00020.
gnomAD v4.1: 20 of 1,598,424 alleles (0.0013%); highest among the groups gnomAD compares: African/African-American, 0.0027%; no homozygotes.

Submissions (2):

Ambry Genetics
Classification: Uncertain significance for Inborn genetic diseases. Last evaluated: 2025-04-03. Review status: criteria provided, single submitter. Criteria: Ambry Variant Classification Scheme 2023. Collection method: clinical testing. Allele origin: germline.

Labcorp Genetics (formerly Invitae), Labcorp
Classification: Uncertain significance. Last evaluated: 2022-06-20. Review status: criteria provided, single submitter. Criteria: Invitae Variant Classification Sherloc (09022015). Collection method: clinical testing. Allele origin: germline.
Comment: This sequence change replaces valine, which is neutral and non-polar, with methionine, which is neutral and non-polar, at codon 430 of the SZT2 protein (p.Val430Met). This variant is present in population databases (rs544287615, gnomAD 0.007%). This variant has not been reported in the literature in individuals affected with SZT2-related conditions. Algorithms developed to predict the effect of missense changes on protein structure and function are either unavailable or do not agree on the potential impact of this missense change (SIFT: "Tolerated"; PolyPhen-2: "Probably Damaging"; Align-GVGD: "Class C0"). In summary, the available evidence is currently insufficient to determine the role of this variant in disease. Therefore, it has been classified as a Variant of Uncertain Significance.